The following is an entry in ClinVar:

ClinVar aggregate classification (germline): Uncertain significance (1 of 4 stars; one submission).

Submission:

Dasa
Classification: Uncertain significance. Last evaluated: 2025-08-29. Review status: criteria provided, single submitter. Criteria: DASA Assertion Criteria. Collection method: clinical testing. Allele origin: germline.
Comment: NM_004423.4(DVL3):c.570T>G (p.Phe190Leu) is a missense variant that results in the substitution of phenylalanine with leucine. This variant is rare in population databases. The currently available literature and clinical evidence are not sufficient to establish a definitive association between this variant and the reported condition. Therefore, this variant is classified as a variant of uncertain significance.

NM_004423.4(DVL3):c.570T>G (p.Phe190Leu)

Gene: DVL3 (dishevelled segment polarity protein 3; plus strand). Cytogenetic location: 3q27.1.
Variant type: single nucleotide variant.
Coding change: c.570T>G on transcript NM_004423.4 (MANE Select); coding-DNA position 570, T replaced by G.
Protein change: p.Phe190Leu; replaces phenylalanine 190 with leucine.
Molecular consequence: missense variant.
Genome position (GRCh38, 1-based): chr3:184,164,902, T>G. VCF-style: chr3-184164902-T-G. GRCh37 (hg19) VCF-style: chr3-183882690-T-G.
Other names: short protein forms F190L.
Identifiers: ClinVar variation 4885409 (VCV004885409.2).